The following is an entry in ClinVar:

NM_001987.5(ETV6):c.65G>A (p.Ser22Asn)

Gene: ETV6 (ETS variant transcription factor 6; plus strand). Cytogenetic location: 12p13.2.
Variant type: single nucleotide variant.
Coding change: c.65G>A on transcript NM_001987.5 (MANE Select); coding-DNA position 65, G replaced by A.
Protein change: p.Ser22Asn; replaces serine 22 with asparagine.
Molecular consequence: missense variant. On other transcripts: intron variant (1).
Genome position (GRCh38, 1-based): chr12:11,752,481, G>A. VCF-style: chr12-11752481-G-A. GRCh37 (hg19) VCF-style: chr12-11905415-G-A.
Other names: c.62G>A, p.Ser21Asn (NM_001413913.1); c.38G>A, p.Ser13Asn (NM_001413914.1); c.65G>A, p.Ser22Asn (NM_001413916.1, NM_001413917.1, NM_001413918.1); c.-101-86659G>A (NM_001413915.1); short protein forms S13N, S21N, S22N.
Identifiers: ClinVar variation 3368293 (VCV003368293.2).

ClinVar aggregate classification (germline): Conflicting classifications of pathogenicity. Review status: criteria provided, conflicting classifications (1 of 4 stars). 2 submissions from 2 submitters: Uncertain significance (1); Likely benign (1). Last evaluated 2025-05-23.

Conditions:
Inborn genetic diseases. Identifiers: MedGen C0950123, MeSH D030342.

gnomAD v4.1: 22 of 1,613,846 alleles (0.0014%); highest among the groups gnomAD compares: South Asian, 0.0022%; no homozygotes.

Submissions (2):

Ambry Genetics
Classification: Likely benign for Inborn genetic diseases. Last evaluated: 2025-05-23. Review status: criteria provided, single submitter. Criteria: Ambry Variant Classification Scheme 2023. Collection method: clinical testing. Allele origin: germline.

GeneDx
Classification: Uncertain significance. Last evaluated: 2024-01-23. Review status: criteria provided, single submitter. Criteria: GeneDx Variant Classification Process June 2021. Collection method: clinical testing. Allele origin: germline. Affected: yes.
Comment: Not observed at significant frequency in large population cohorts (gnomAD); In silico analysis supports that this missense variant does not alter protein structure/function; Published functional studies suggest a neutral effect: demonstrates cellular localization and protein repression ability comparable to wildtype (PMID: 35586967); Identified in an individual with suspected thrombocytopenia (PMID: 35586967); This variant is associated with the following publications: (PMID: 35586967)